The following is an entry in ClinVar:

ClinVar aggregate classification (germline): Uncertain significance (1 of 4 stars; one submission).

Conditions:
Cardiovascular phenotype. Identifiers: MedGen CN230736.

gnomAD v4.1: 2 of 1,469,312 alleles (0.00014%); highest among the groups gnomAD compares: Non-Finnish European, 0.00018%; no homozygotes.

Submission:

Ambry Genetics
Classification: Uncertain significance for Cardiovascular phenotype. Last evaluated: 2024-05-11. Review status: criteria provided, single submitter. Criteria: Ambry Variant Classification Scheme 2023. Collection method: clinical testing. Allele origin: germline.
Comment: The p.V829M variant (also known as c.2485G>A) is located in coding exon 15 of the EPHB4 gene. The valine at codon 829 is replaced by methionine, an amino acid with highly similar properties. This change occurs in the first base pair of coding exon 15. This amino acid position is conserved. In addition, this alteration is predicted to be deleterious by in silico analysis. Based on the available evidence, the clinical significance of this variant remains unclear.

NM_004444.5(EPHB4):c.2485G>A (p.Val829Met)

Genes: EPHB4 (EPH receptor B4; minus strand), LOC126860124 (CDK7 strongly-dependent group 2 enhancer GRCh37_chr7:100403701-100404900; plus strand). Cytogenetic location: 7q22.1.
Variant type: single nucleotide variant.
Coding change: c.2485G>A on transcript NM_004444.5 (MANE Select); coding-DNA position 2485, G replaced by A.
Protein change: p.Val829Met; replaces valine 829 with methionine.
Molecular consequence: missense variant.
Genome position (GRCh38, 1-based): chr7:100,805,694, C>T on the plus strand (G>A on the coding strand, the complement: EPHB4 is on the minus strand). VCF-style: chr7-100805694-C-T. GRCh37 (hg19) VCF-style: chr7-100403316-C-T.
Other names: short protein forms V829M.
Identifiers: ClinVar variation 3275984 (VCV003275984.1).